The following is an entry in ClinVar:

NM_003835.4(RGS9):c.1457C>T (p.Thr486Ile)

Gene: RGS9 (regulator of G protein signaling 9; plus strand). Cytogenetic location: 17q24.1.
Variant type: single nucleotide variant.
Coding change: c.1457C>T on transcript NM_003835.4 (MANE Select); coding-DNA position 1457, C replaced by T.
Protein change: p.Thr486Ile; replaces threonine 486 with isoleucine.
Molecular consequence: missense variant.
Genome position (GRCh38, 1-based): chr17:65,225,051, C>T. VCF-style: chr17-65225051-C-T. GRCh37 (hg19) VCF-style: chr17-63221169-C-T.
Other names: c.1448C>T, p.Thr483Ile (NM_001081955.3); short protein forms T486I, T483I.
Identifiers: ClinVar variation 844179 (VCV000844179.8), dbSNP rs764201349, ClinGen allele CA293083924.

ClinVar aggregate classification (germline): Uncertain significance. Review status: criteria provided, multiple submitters, no conflicts (2 of 4 stars). 2 submissions from 2 submitters: Uncertain significance (2). Last evaluated 2025-06-06.

Conditions:
Inborn genetic diseases. Identifiers: MedGen C0950123, MeSH D030342.

Allele frequency attached by ClinVar (database versions not stated): gnomAD exomes 0.00004 and 0.00001.
gnomAD v4.1: 66 of 1,613,976 alleles (0.0041%); highest among the groups gnomAD compares: Non-Finnish European, 0.0053%; no homozygotes.

Submissions (2):

Ambry Genetics
Classification: Uncertain significance for Inborn genetic diseases. Last evaluated: 2025-06-06. Review status: criteria provided, single submitter. Criteria: Ambry Variant Classification Scheme 2023. Collection method: clinical testing. Allele origin: germline.

Labcorp Genetics (formerly Invitae), Labcorp
Classification: Uncertain significance. Last evaluated: 2021-09-01. Review status: criteria provided, single submitter. Criteria: Invitae Variant Classification Sherloc (09022015). Collection method: clinical testing. Allele origin: germline.
Comment: This sequence change replaces threonine with isoleucine at codon 486 of the RGS9 protein (p.Thr486Ile). The threonine residue is highly conserved and there is a moderate physicochemical difference between threonine and isoleucine. This variant is not present in population databases (ExAC no frequency). This variant has not been reported in the literature in individuals affected with RGS9-related conditions. Algorithms developed to predict the effect of missense changes on protein structure and function (SIFT, PolyPhen-2, Align-GVGD) all suggest that this variant is likely to be tolerated. In summary, the available evidence is currently insufficient to determine the role of this variant in disease. Therefore, it has been classified as a Variant of Uncertain Significance.